The following is an entry in ClinVar:

ClinVar aggregate classification (germline): Uncertain significance (1 of 4 stars; one submission).

Conditions:
Neurodevelopmental disorder with speech impairment and dysmorphic facies. Identifiers: MedGen C5436699, MONDO:0033630, OMIM 619056.

gnomAD v4.1: 8 of 1,612,972 alleles (0.0005%); highest among the groups gnomAD compares: Admixed American, 0.0017%; no homozygotes.

Submission:

Neuberg Centre For Genomic Medicine, NCGM
Classification: Uncertain significance for Neurodevelopmental disorder with speech impairment and dysmorphic facies. Last evaluated: 2023-06-22. Review status: criteria provided, single submitter. Criteria: ACMG Guidelines, 2015. Collection method: clinical testing. Allele origin: germline. Inheritance: Autosomal dominant inheritance. Affected: yes.
Comment: The missense c.1277G>A(p.Arg426Gln) variant in SETD1A gene has not been reported previously as a pathogenic variant nor as a benign variant, to our knowledge. This variant is present with an allele frequency of 0.0004% in gnomAD Exomes database. This variant has not been submitted to the ClinVar database. Computational evidence (Polyphen - Possibly damaging, SIFT - Tolerated and MutationTaster -Polymorphism) predicts conflicting evidence on protein structure and function for this variant. The reference amino acid at this position in SETD1A is predicted as conserved by GERP++ and PhyloP across 100 vertebrates. The amino acid Arg at position 426 is changed to a Gln changing protein sequence and it might alter its composition and physico-chemical properties. For these reasons, this variant has been classified as Variant of Uncertain Significance (VUS).

NM_014712.3(SETD1A):c.1277G>A (p.Arg426Gln)

Gene: SETD1A (SET domain containing 1A, histone lysine methyltransferase; plus strand). Cytogenetic location: 16p11.2.
Variant type: single nucleotide variant.
Coding change: c.1277G>A on transcript NM_014712.3 (MANE Select); coding-DNA position 1277, G replaced by A.
Protein change: p.Arg426Gln; replaces arginine 426 with glutamine.
Molecular consequence: missense variant.
Genome position (GRCh38, 1-based): chr16:30,965,019, G>A. VCF-style: chr16-30965019-G-A. GRCh37 (hg19) VCF-style: chr16-30976340-G-A.
Other names: short protein forms R426Q.
Identifiers: ClinVar variation 3731350 (VCV003731350.1).